The following is an entry in ClinVar:

NM_004273.5(CHST3):c.780del (p.Ala261fs)

Gene: CHST3 (carbohydrate sulfotransferase 3; plus strand). Cytogenetic location: 10q22.1.
Variant type: Deletion.
Coding change: c.780del on transcript NM_004273.5 (MANE Select); coding-DNA position 780, one base deleted (C; older notation c.780delC).
Protein change: p.Ala261fs; shifts the reading frame from alanine 261.
Molecular consequence: frameshift variant.
Genome position (GRCh38, 1-based): chr10:72,007,811, C deleted; the last of 2 consecutive C bases (chr10:72,007,810-72,007,811); deleting either gives the same sequence. VCF-style (leftmost placement, unchanged base first): chr10-72007809-GC-G. GRCh37 (hg19) VCF-style: chr10-73767567-GC-G.
Other names: c.780del, p.Ala261fs (NM_001441201.1, NM_001441202.1); short protein forms A261fs.
Identifiers: ClinVar variation 4280631 (VCV004280631.1).
Genomic context (GRCh38, chr10:72,007,809, plus strand): 5'-AAGGTCTTCGAGAAGTACCACTGCAAGAACCGCCGCTGCGGCCCCCTCAACGTGACGCTG[GC>G]CGCAGAGGCCTGCCGCCGCAAGGAGCACATGGCCCTCAAGGCGGTGCGCATCCGGCAGCT-3'

ClinVar aggregate classification (germline): Likely pathogenic (1 of 4 stars; one submission).

Conditions:
Spondyloepiphyseal dysplasia with congenital joint dislocations (SEDCJD). Also called: Chondrodysplasia with Congenital Joint Dislocations, CHST3-Related. Identifiers: Orphanet 263463, MedGen C1837657, MONDO:0007738, OMIM 143095.

Submission:

Clinical Biomedical Laboratory, Shriners Hospital For Children - Canada
Classification: Likely pathogenic for Spondyloepiphyseal dysplasia with congenital joint dislocations. Last evaluated: 2025-10-05. Review status: criteria provided, single submitter. Criteria: ACMG Guidelines, 2015. Collection method: clinical testing. Allele origin: germline. Affected: yes.
Comment: This variant substitutes an alanine residue by a glutamine residue and introduce a premature stop condon 73 amino acids downstream. This is expected to lead to degradation of the affected transcript. Loss of function variants are associated with autosomal recessive spondyloepiphyseal dysplasia with congenital joint dislocations, which is the clinical diagnosis of the proband. The variant is absent from the Genome Aggregation Database (v2.1.1.).

Literature cited by the submitters: PubMed 18513679.